The following is an entry in ClinVar:

ClinVar aggregate classification (germline): Likely benign. Review status: criteria provided, multiple submitters, no conflicts (2 of 4 stars). 3 submissions from 3 submitters: Likely benign (3). Last evaluated 2024-02-05.

Conditions:
Catecholaminergic polymorphic ventricular tachycardia (CVPT). Also called: Catecholamine-induced polymorphic ventricular tachycardia. Identifiers: Orphanet 3286, MedGen C5574922, MONDO:0017990.
Catecholaminergic polymorphic ventricular tachycardia 1. Also called: VENTRICULAR TACHYCARDIA, STRESS-INDUCED POLYMORPHIC 1; VENTRICULAR TACHYCARDIA, CATECHOLAMINERGIC POLYMORPHIC, 1, WITH OR WITHOUT ATRIAL DYSFUNCTION AND/OR DILATED CARDIOMYOPATHY; RYR2-Related Catecholaminergic Polymorphic Ventricular Tachycardia. Identifiers: Orphanet 3286, MedGen C1631597, MONDO:0011484, OMIM 604772.
Cardiomyopathy (CMYO). Also called: Cardiomyopathies. Identifiers: Orphanet 167848, MedGen C0878544, MONDO:0004994, HP:0001638. Inheritance: Various modes of inheritance.

gnomAD v4.1: 1 of 1,613,160 alleles (0.000062%); highest among the groups gnomAD compares: Non-Finnish European, 0.000085%; no homozygotes.

Submissions (3):

All of Us Research Program, National Institutes of Health
Classification: Likely benign for Catecholaminergic polymorphic ventricular tachycardia. Last evaluated: 2024-02-05. Review status: criteria provided, single submitter. Criteria: ACMG Guidelines, 2015. Collection method: clinical testing. Allele origin: germline. Inheritance: Autosomal dominant inheritance. Observed: 1 variant allele, 1 heterozygote.
Comment: This study involves interpretation of variants in research participants for the purpose of population health screening. Participant phenotype was not available at the time of variant classification. Additional details can be found in publication PMID: 35346344, PMCID: PMC8962531

Color Diagnostics, LLC DBA Color Health
Classification: Likely benign for Cardiomyopathy. Last evaluated: 2024-01-29. Review status: criteria provided, single submitter. Criteria: ACMG Guidelines, 2015. Collection method: clinical testing. Allele origin: germline.

Labcorp Genetics (formerly Invitae), Labcorp
Classification: Likely benign for Catecholaminergic polymorphic ventricular tachycardia 1. Last evaluated: 2020-03-14. Review status: criteria provided, single submitter. Criteria: Invitae Variant Classification Sherloc (09022015). Collection method: clinical testing. Allele origin: germline.

NM_001035.3(RYR2):c.10059C>T (p.Leu3353=)

Gene: RYR2 (ryanodine receptor 2; plus strand). Cytogenetic location: 1q43.
Variant type: single nucleotide variant.
Coding change: c.10059C>T on transcript NM_001035.3 (MANE Select); coding-DNA position 10059, C replaced by T.
Protein change: p.Leu3353=; no amino-acid change (leucine 3353 retained).
Molecular consequence: synonymous variant.
Genome position (GRCh38, 1-based): chr1:237,709,015, C>T. VCF-style: chr1-237709015-C-T. GRCh37 (hg19) VCF-style: chr1-237872315-C-T.
Identifiers: ClinVar variation 760667 (VCV000760667.14), dbSNP rs370015676, ClinGen allele CA063336.
Genomic context (GRCh38, chr1:237,709,015, plus strand): 5'-GGTGTCTGAGGAAGACCACCTGAAAGCTGAGGCCAGGGGGGACATGTCGGAGGCAGAACT[C>T]CTCATCCTAGATGAGTTCACCACACTGGCCAGAGATCTCTATGCCTTCTACCCTCTCTTG-3'
Protein context (NP_001026.2, residues 3343-3363): EARGDMSEAE[Leu3353=]LILDEFTTLA